The following is an entry in ClinVar:

ClinVar aggregate classification (germline): Uncertain significance (1 of 4 stars; one submission).

Conditions:
Evans syndrome, immunodeficiency, and premature immunosenescence associated with tripeptidyl-peptidase II deficiency. Identifiers: MedGen CN231723. Disease mechanism: loss of function.

Submission:

Labcorp Genetics (formerly Invitae), Labcorp
Classification: Uncertain significance for Evans syndrome, immunodeficiency, and premature immunosenescence associated with tripeptidyl-peptidase II deficiency. Last evaluated: 2022-04-30. Review status: criteria provided, single submitter. Criteria: Invitae Variant Classification Sherloc (09022015). Collection method: clinical testing. Allele origin: germline.
Comment: In summary, the available evidence is currently insufficient to determine the role of this variant in disease. Therefore, it has been classified as a Variant of Uncertain Significance. Algorithms developed to predict the effect of missense changes on protein structure and function output the following: SIFT: "Tolerated"; PolyPhen-2: "Benign"; Align-GVGD: "Class C0". The alanine amino acid residue is found in multiple mammalian species, which suggests that this missense change does not adversely affect protein function. This variant has not been reported in the literature in individuals affected with TPP2-related conditions. This variant is not present in population databases (gnomAD no frequency). This sequence change replaces threonine, which is neutral and polar, with alanine, which is neutral and non-polar, at codon 222 of the TPP2 protein (p.Thr222Ala).

NM_001330588.2(TPP2):c.664A>G (p.Thr222Ala)

Gene: TPP2 (tripeptidyl peptidase 2; plus strand). Cytogenetic location: 13q33.1.
Variant type: single nucleotide variant.
Coding change: c.664A>G on transcript NM_001330588.2 (MANE Select); coding-DNA position 664, A replaced by G.
Protein change: p.Thr222Ala; replaces threonine 222 with alanine.
Molecular consequence: missense variant. On other transcripts: non-coding transcript variant (1).
Genome position (GRCh38, 1-based): chr13:102,622,920, A>G. VCF-style: chr13-102622920-A-G. GRCh37 (hg19) VCF-style: chr13-103275270-A-G.
Other names: c.664A>G, p.Thr222Ala (NM_001367947.1, NM_003291.4); short protein forms T222A.
Identifiers: ClinVar variation 1895999 (VCV001895999.5), dbSNP rs765737542, ClinGen allele CA388477092.
Genomic context (GRCh38, chr13:102,622,920, plus strand): 5'-TTCTTTTTAATTAATAGAGCCTGCATTGATTCTAATGAAGATGGGGACTTGAGTAAATCT[A>G]CCGTGTTGAGAAACTACAAAGAAGCCCAAGAATATGGCTCTTTTGGCACAGCTGAGATGT-3'
Protein context (NP_001317517.1, residues 212-232): SNEDGDLSKS[Thr222Ala]VLRNYKEAQE